The following is an entry in ClinVar:

NM_024120.5(NDUFAF5):c.183_190dup (p.Glu64fs)

Genes: NDUFAF5 (NADH:ubiquinone oxidoreductase complex assembly factor 5; plus strand), LOC130065433 (ATAC-STARR-seq lymphoblastoid active region 17552; plus strand). Cytogenetic location: 20p12.1.
Variant type: Microsatellite.
Coding change: c.183_190dup on transcript NM_024120.5 (MANE Select); coding-DNA positions 183 to 190, 8 bases duplicated (GCAGCCCG; older notation c.183_190dupGCAGCCCG).
Protein change: p.Glu64fs; shifts the reading frame from glutamic acid 64.
Molecular consequence: frameshift variant. On other transcripts: 5 prime UTR variant (3), non-coding transcript variant (7).
Genome position (GRCh38, 1-based): chr20:13,785,251-13,785,258, GCAGCCCG duplicated; duplicating any 8 consecutive bases within chr20:13,785,242-13,785,258 gives the same sequence; the c. name uses the placement nearest the transcript's 3' end. VCF-style (leftmost placement, unchanged base first): chr20-13785241-G-GGGCAGCCC. GRCh37 (hg19) VCF-style: chr20-13765887-G-GGGCAGCCC.
Other names: c.183_190dup, p.Glu64fs (NM_001039375.3, NM_001352408.2); c.-193GCAGCCCG[3] (NM_001352403.2); c.-407GCAGCCCG[3] (NM_001352406.2); c.-521GCAGCCCG[3] (NM_001352407.2); c.183_190dup (NM_024120.4); c.183_190dupGCAGCCCG (NM_024120.4); short protein forms E64fs.
Identifiers: ClinVar variation 2078597 (VCV002078597.10), dbSNP rs778103632, ClinGen allele CA9767599.

ClinVar aggregate classification (germline): Pathogenic/Likely pathogenic. Review status: criteria provided, multiple submitters, no conflicts (2 of 4 stars). 6 submissions from 6 submitters: Pathogenic (1); Likely pathogenic (5). Last evaluated 2025-08-26.

Conditions:
Mitochondrial complex I deficiency. Also called: NADH:Q(1) OXIDOREDUCTASE DEFICIENCY. Identifiers: Orphanet 2609, MedGen C1838979, MeSH C537475, MONDO:0100133.
Mitochondrial complex I deficiency, nuclear type 16. Also called: Mitochondrial complex 1 deficiency, nuclear type 16. Identifiers: MedGen C4748785, MONDO:0032621, OMIM 618238.

Submissions (6):

GeneDx
Classification: Likely pathogenic. Last evaluated: 2025-08-26. Review status: criteria provided, single submitter. Criteria: GeneDx Variant Classification Process June 2021. Collection method: clinical testing. Allele origin: germline.
Comment: Frameshift variant predicted to result in protein truncation or nonsense mediated decay in a gene for which loss of function is a known mechanism of disease; Not observed at significant frequency in large population cohorts (gnomAD); Has not been previously published as pathogenic or benign to our knowledge

Revvity Omics, Revvity
Classification: Likely pathogenic for Mitochondrial complex I deficiency, nuclear type 16. Last evaluated: 2025-06-18. Review status: criteria provided, single submitter. Criteria: ACMG Guidelines, 2015. Collection method: clinical testing. Allele origin: germline.

Fulgent Genetics
Classification: Likely pathogenic for Mitochondrial complex I deficiency, nuclear type 16. Last evaluated: 2024-03-28. Review status: criteria provided, single submitter. Criteria: ACMG Guidelines, 2015. Collection method: clinical testing. Allele origin: germline.

Natera, Inc.
Classification: Likely pathogenic for Mitochondrial complex I deficiency. Last evaluated: 2024-03-28. Review status: criteria provided, single submitter. Criteria: Natera Variant Classification Schema (03/2026). Collection method: clinical testing. Allele origin: germline.
Comment: The c.183_190dupGCAGCCCG variant in NDUFAF5 is a frameshift variant predicted to shift the reading frame beginning at codon 64 and leads to a stop codon 11 codons downstream. This variant is expected to result in nonsense mediated decay, truncation, or a dysfunctional protein product. This variant is rare in the general population with a frequency below the threshold expected for the associated phenotype(s). Given the available evidence, this variant is classified as Likely Pathogenic.

Labcorp Genetics (formerly Invitae), Labcorp
Classification: Pathogenic. Last evaluated: 2024-01-24. Review status: criteria provided, single submitter. Criteria: Invitae Variant Classification Sherloc (09022015). Collection method: clinical testing. Allele origin: germline.
Comment: This sequence change creates a premature translational stop signal (p.Glu64Glyfs*11) in the NDUFAF5 gene. It is expected to result in an absent or disrupted protein product. Loss-of-function variants in NDUFAF5 are known to be pathogenic (PMID: 26275793, 30473481, 32918965). This variant is present in population databases (rs778103632, gnomAD 0.003%). This variant has not been reported in the literature in individuals affected with NDUFAF5-related conditions. ClinVar contains an entry for this variant (Variation ID: 2078597). For these reasons, this variant has been classified as Pathogenic.

Baylor Genetics
Classification: Likely pathogenic for Mitochondrial complex I deficiency, nuclear type 16. Last evaluated: 2023-10-27. Review status: criteria provided, single submitter. Criteria: ACMG Guidelines, 2015. Collection method: clinical testing. Allele origin: unknown.

Literature cited by the submitters: PubMed 26275793 (cited by Labcorp Genetics (formerly Invitae), Labcorp); PubMed 30473481 (cited by Labcorp Genetics (formerly Invitae), Labcorp); PubMed 32918965 (cited by Labcorp Genetics (formerly Invitae), Labcorp).